The following is an entry in ClinVar:

NM_004341.5(CAD):c.6387del (p.Phe2129fs)

Genes: CAD (carbamoyl-phosphate synthetase 2, aspartate transcarbamylase, and dihydroorotase; plus strand), LOC126806172 (CDK7 strongly-dependent group 2 enhancer GRCh37_chr2:27465505-27466704; plus strand). Cytogenetic location: 2p23.3.
Variant type: Deletion.
Coding change: c.6387del on transcript NM_004341.5 (MANE Select); coding-DNA position 6387, one base deleted (C; older notation c.6387delC).
Protein change: p.Phe2129fs; shifts the reading frame from phenylalanine 2129.
Molecular consequence: frameshift variant.
Genome position (GRCh38, 1-based): chr2:27,242,880, C deleted. VCF-style (leftmost placement, unchanged base first): chr2-27242879-TC-T. GRCh37 (hg19) VCF-style: chr2-27465747-TC-T.
Other names: c.6198del, p.Phe2066fs (NM_001306079.2); short protein forms F2129fs, F2066fs.
Identifiers: ClinVar variation 2749067 (VCV002749067.3), dbSNP rs2465371279, ClinGen allele CA2697547925.

ClinVar aggregate classification (germline): Pathogenic (1 of 4 stars; one submission).

Submission:

Labcorp Genetics (formerly Invitae), Labcorp
Classification: Pathogenic. Last evaluated: 2023-08-18. Review status: criteria provided, single submitter. Criteria: Invitae Variant Classification Sherloc (09022015). Collection method: clinical testing. Allele origin: germline.
Comment: For these reasons, this variant has been classified as Pathogenic. This variant has not been reported in the literature in individuals affected with CAD-related conditions. This variant is not present in population databases (gnomAD no frequency). This sequence change creates a premature translational stop signal (p.Phe2129Leufs*16) in the CAD gene. It is expected to result in an absent or disrupted protein product. Loss-of-function variants in CAD are known to be pathogenic (PMID: 28007989, 32117025, 32820246, 33497533).

Literature cited by the submitters: PubMed 28007989; PubMed 32117025; PubMed 32820246; PubMed 33497533.